The following is an entry in ClinVar:

ClinVar aggregate classification (germline): Uncertain significance. Review status: criteria provided, multiple submitters, no conflicts (2 of 4 stars). 2 submissions from 2 submitters: Uncertain significance (2). Last evaluated 2025-12-21.

Conditions:
Long QT syndrome (LQTS). Identifiers: MedGen C0023976, MeSH D008133, MONDO:0002442. Disease mechanism: loss of function. Inheritance: Various modes of inheritance.

Allele frequency attached by ClinVar (database versions not stated): gnomAD exomes below 0.00001.

Submissions (2):

Labcorp Genetics (formerly Invitae), Labcorp
Classification: Uncertain significance for Long QT syndrome. Last evaluated: 2025-12-21. Review status: criteria provided, single submitter. Criteria: Invitae Variant Classification Sherloc (09022015). Collection method: clinical testing. Allele origin: germline.
Comment: This sequence change replaces proline, which is neutral and non-polar, with serine, which is neutral and polar, at codon 861 of the CACNA1C protein (p.Pro861Ser). This variant is present in population databases (rs786205754, gnomAD 0.0009%). This variant has not been reported in the literature in individuals affected with CACNA1C-related conditions. ClinVar contains an entry for this variant (Variation ID: 190655). Invitae Evidence Modeling of protein sequence and biophysical properties (such as structural, functional, and spatial information, amino acid conservation, physicochemical variation, residue mobility, and thermodynamic stability) has been performed for this missense variant. However, the output from this modeling did not meet the statistical confidence thresholds required to predict the impact of this variant on CACNA1C protein function. In summary, the available evidence is currently insufficient to determine the role of this variant in disease. Therefore, it has been classified as a Variant of Uncertain Significance.

GeneDx
Classification: Uncertain significance. Last evaluated: 2014-03-16. Review status: criteria provided, single submitter. Criteria: GeneDx Variant Classification (06012015). Collection method: clinical testing. Allele origin: germline. Affected: yes.
Comment: p.Pro861Ser (CCA>TCA): c.2581 C>T in exon 19 of the CACNA1C gene (NM_000719.6). The Pro861Ser variant in the CACNA1C gene has not been reported as a disease-causing mutation or as a benign polymorphism to our knowledge. Pro861Ser results in a non-conservative amino acid substitution of a non-polar Proline residue with a neutral, polar Serine residue at a position that is conserved across species. In silico analysis predicts Pro861Ser is possibly damaging to the protein structure/function. The NHLBI Exome Variant Server reports Pro861Ser was not observed in approximately 6,000 samples from individuals of European and African American backgrounds, indicating it is not a common benign variant in these populations. Nevertheless, mutations in nearby residues have not been reported in association with LQTS, indicating this region of the protein may be tolerant of change. With the clinical and molecular information available at this time, we cannot definitively determine if Pro861Ser is a disease-causing mutation or a rare benign variant. The variant is found in LQT panel(s).

NM_000719.7(CACNA1C):c.2581C>T (p.Pro861Ser)

Gene: CACNA1C (calcium voltage-gated channel subunit alpha1 C; plus strand). Cytogenetic location: 12p13.33.
Variant type: single nucleotide variant.
Coding change: c.2581C>T on transcript NM_000719.7 (MANE Select); coding-DNA position 2581, C replaced by T.
Protein change: p.Pro861Ser; replaces proline 861 with serine.
Molecular consequence: missense variant.
Genome position (GRCh38, 1-based): chr12:2,593,263, C>T. VCF-style: chr12-2593263-C-T. GRCh37 (hg19) VCF-style: chr12-2702429-C-T.
Other names: p.P861S:CCA>TCA; c.2581C>T, p.Pro861Ser (NM_001129827.2, NM_001129829.2, NM_001129830.3 and 18 more transcripts); c.2572C>T, p.Pro858Ser (NM_001129844.2); short protein forms P861S, P858S.
Identifiers: ClinVar variation 190655 (VCV000190655.3), dbSNP rs786205754, ClinGen allele CA301412.